The following is an entry in ClinVar:

ClinVar aggregate classification (germline): Uncertain significance. Review status: criteria provided, multiple submitters, no conflicts (2 of 4 stars). 2 submissions from 2 submitters: Uncertain significance (2). Last evaluated 2024-09-25.

Conditions:
Seizures, benign familial infantile, 3 (BFIS3). Also called: Familial neonatal seizures; CONVULSIONS, BENIGN FAMILIAL INFANTILE, 3. Identifiers: Orphanet 140927, Orphanet 306, MedGen C1843140, MONDO:0011904, OMIM 607745.
Developmental and epileptic encephalopathy, 11 (DEE11). Also called: Early infantile epileptic encephalopathy 11. Identifiers: Orphanet 1934, MedGen C3150987, MONDO:0013388, OMIM 613721.
Inborn genetic diseases. Identifiers: MedGen C0950123, MeSH D030342.

Submissions (2):

Labcorp Genetics (formerly Invitae), Labcorp
Classification: Uncertain significance for Seizures, benign familial infantile, 3; Developmental and epileptic encephalopathy, 11. Last evaluated: 2024-09-25. Review status: criteria provided, single submitter. Criteria: Invitae Variant Classification Sherloc (09022015). Collection method: clinical testing. Allele origin: germline.
Comment: This sequence change replaces threonine, which is neutral and polar, with methionine, which is neutral and non-polar, at codon 1899 of the SCN2A protein (p.Thr1899Met). This variant is not present in population databases (gnomAD no frequency). This variant has not been reported in the literature in individuals affected with SCN2A-related conditions. ClinVar contains an entry for this variant (Variation ID: 1749108). Invitae Evidence Modeling of protein sequence and biophysical properties (such as structural, functional, and spatial information, amino acid conservation, physicochemical variation, residue mobility, and thermodynamic stability) indicates that this missense variant is expected to disrupt SCN2A protein function with a positive predictive value of 95%. In summary, the available evidence is currently insufficient to determine the role of this variant in disease. Therefore, it has been classified as a Variant of Uncertain Significance.

Ambry Genetics
Classification: Uncertain significance for Inborn genetic diseases. Last evaluated: 2017-11-13. Review status: criteria provided, single submitter. Criteria: Ambry Variant Classification Scheme 2023. Collection method: clinical testing. Allele origin: germline.
Comment: The p.T1899M variant (also known as c.5696C>T), located in coding exon 26 of the SCN2A gene, results from a C to T substitution at nucleotide position 5696. The threonine at codon 1899 is replaced by methionine, an amino acid with similar properties. This amino acid position is highly conserved in available vertebrate species. In addition, this alteration is predicted to be deleterious by in silico analysis. Since supporting evidence is limited at this time, the clinical significance of this alteration remains unclear.

NM_001040142.2(SCN2A):c.5696C>T (p.Thr1899Met)

Gene: SCN2A (sodium voltage-gated channel alpha subunit 2; plus strand). Cytogenetic location: 2q24.3.
Variant type: single nucleotide variant.
Coding change: c.5696C>T on transcript NM_001040142.2 (MANE Select); coding-DNA position 5696, C replaced by T.
Protein change: p.Thr1899Met; replaces threonine 1899 with methionine.
Molecular consequence: missense variant.
Genome position (GRCh38, 1-based): chr2:165,389,502, C>T. VCF-style: chr2-165389502-C-T. GRCh37 (hg19) VCF-style: chr2-166246012-C-T.
Other names: c.5696C>T, p.Thr1899Met (NM_001040143.2, NM_001371246.1, NM_001371247.1 and 1 more transcripts); short protein forms T1899M.
Identifiers: ClinVar variation 1749108 (VCV001749108.4), dbSNP rs2468160136, ClinGen allele CA349039869.